The following is an entry in ClinVar:

NM_005732.4(RAD50):c.1144G>T (p.Gly382Cys)

Gene: RAD50 (RAD50 double strand break repair protein; plus strand). Cytogenetic location: 5q31.1.
Variant type: single nucleotide variant.
Coding change: c.1144G>T on transcript NM_005732.4 (MANE Select); coding-DNA position 1144, G replaced by T.
Protein change: p.Gly382Cys; replaces glycine 382 with cysteine.
Molecular consequence: missense variant.
Genome position (GRCh38, 1-based): chr5:132,588,779, G>T. VCF-style: chr5-132588779-G-T. GRCh37 (hg19) VCF-style: chr5-131924471-G-T.
Other names: c.1144G>T (NM_005732.3); short protein forms G382C.
Identifiers: ClinVar variation 1064271 (VCV001064271.10), dbSNP rs2149841115, ClinGen allele CA360942651.

ClinVar aggregate classification (germline): Uncertain significance. Review status: criteria provided, multiple submitters, no conflicts (2 of 4 stars). 2 submissions from 2 submitters: Uncertain significance (2). Last evaluated 2025-06-16.

Conditions:
Hereditary cancer-predisposing syndrome. Also called: Hereditary Cancer Syndrome; Hereditary neoplastic syndrome; Neoplastic Syndromes, Hereditary; Tumor predisposition. Identifiers: Orphanet 140162, MedGen C0027672, MeSH D009386, MONDO:0015356.

Submissions (2):

Ambry Genetics
Classification: Uncertain significance for Hereditary cancer-predisposing syndrome. Last evaluated: 2025-06-16. Review status: criteria provided, single submitter. Criteria: Ambry Variant Classification Scheme 2023. Collection method: clinical testing. Allele origin: germline.
Comment: The p.G382C variant (also known as c.1144G>T), located in coding exon 8 of the RAD50 gene, results from a G to T substitution at nucleotide position 1144. The glycine at codon 382 is replaced by cysteine, an amino acid with highly dissimilar properties. This amino acid position is conserved. In addition, the in silico prediction for this alteration is inconclusive. Based on the available evidence, the clinical significance of this variant remains unclear.

Labcorp Genetics (formerly Invitae), Labcorp
Classification: Uncertain significance for Hereditary cancer-predisposing syndrome. Last evaluated: 2020-06-08. Review status: criteria provided, single submitter. Criteria: Invitae Variant Classification Sherloc (09022015). Collection method: clinical testing. Allele origin: germline.
Comment: This sequence change replaces glycine with cysteine at codon 382 of the RAD50 protein (p.Gly382Cys). The glycine residue is moderately conserved and there is a large physicochemical difference between glycine and cysteine. This variant is not present in population databases (ExAC no frequency). This variant has not been reported in the literature in individuals with RAD50-related conditions. Algorithms developed to predict the effect of missense changes on protein structure and function are either unavailable or do not agree on the potential impact of this missense change (SIFT: "Tolerated"; PolyPhen-2: "Probably Damaging"; Align-GVGD: "Class C0"). In summary, the available evidence is currently insufficient to determine the role of this variant in disease. Therefore, it has been classified as a Variant of Uncertain Significance.